The following is an entry in ClinVar:

NM_016248.4(AKAP11):c.4660C>T (p.Leu1554=)

Gene: AKAP11 (A-kinase anchoring protein 11; plus strand). Cytogenetic location: 13q14.11.
Variant type: single nucleotide variant.
Coding change: c.4660C>T on transcript NM_016248.4 (MANE Select); coding-DNA position 4660, C replaced by T.
Protein change: p.Leu1554=; no amino-acid change (leucine 1554 retained).
Molecular consequence: synonymous variant.
Genome position (GRCh38, 1-based): chr13:42,303,406, C>T. VCF-style: chr13-42303406-C-T. GRCh37 (hg19) VCF-style: chr13-42877542-C-T.
Identifiers: ClinVar variation 4873594 (VCV004873594.2).

ClinVar aggregate classification (germline): Likely benign (1 of 4 stars; one submission).

gnomAD v4.1: 1 of 1,613,968 alleles (0.000062%); highest among the groups gnomAD compares: Non-Finnish European, 0.000085%; no homozygotes.

Submission:

CeGaT Center for Human Genetics Tuebingen
Classification: Likely benign. Last evaluated: 2026-06-01. Review status: criteria provided, single submitter. Criteria: CeGaT Center For Human Genetics Tuebingen Variant Classification Criteria Version 2. Collection method: clinical testing. Allele origin: germline. Affected: yes. Observed: 1 variant allele.
Comment: AKAP11: BP4, BP7